The following is an entry in ClinVar:

ClinVar aggregate classification (germline): Likely pathogenic. Review status: criteria provided, multiple submitters, no conflicts (2 of 4 stars). 5 submissions from 5 submitters: Likely pathogenic (5). Last evaluated 2025-03-04.

Conditions:
Leber congenital amaurosis 10 (LCA10). Identifiers: Orphanet 65, MedGen C1857821, MONDO:0012723, OMIM 611755.
Meckel syndrome, type 4 (MKS4). Also called: MECKEL-GRUBER SYNDROME, TYPE 4. Identifiers: Orphanet 564, MedGen C1970161, MONDO:0012626, OMIM 611134.
Bardet-Biedl syndrome 14 (BBS14). Identifiers: Orphanet 110, MedGen C2673874, MONDO:0014442, OMIM 615991.
Senior-Loken syndrome 6 (SLSN6). Identifiers: Orphanet 3156, MedGen C1857779, MONDO:0012433, OMIM 610189.
Joubert syndrome 5 (JBTS5). Identifiers: Orphanet 2318, MedGen C1857780, MONDO:0012432, OMIM 610188.
Meckel-Gruber syndrome. Also called: Dysencephalia splachnocystica; GRUBER SYNDROME; DYSENCEPHALIA SPLANCHNOCYSTICA. Identifiers: Orphanet 564, MedGen C0265215, MONDO:0018921.
Nephronophthisis. Also called: Juvenile Nephronophthisis. Identifiers: Orphanet 655, MedGen C0687120, MONDO:0019005, HP:0000090.
Joubert syndrome. Also called: JOUBERT-BOLTSHAUSER SYNDROME; Familial aplasia of the vermis; CEREBELLOPARENCHYMAL DISORDER IV. Identifiers: Orphanet 475, MedGen C5979921, MONDO:0018772.
Leber congenital amaurosis (LCA). Also called: Leber's amaurosis. Identifiers: Orphanet 65, MedGen C0339527, MeSH D057130, MONDO:0018998.

Allele frequency attached by ClinVar (database versions not stated): gnomAD exomes below 0.00001.

Submissions (5):

Labcorp Genetics (formerly Invitae), Labcorp
Classification: Likely pathogenic for Joubert syndrome; Meckel-Gruber syndrome; Nephronophthisis. Last evaluated: 2025-03-04. Review status: criteria provided, single submitter. Criteria: Invitae Variant Classification Sherloc (09022015). Collection method: clinical testing. Allele origin: germline.
Comment: This sequence change affects a splice site in intron 49 of the CEP290 gene. It is expected to disrupt RNA splicing. Variants that disrupt the donor or acceptor splice site typically lead to a loss of protein function (PMID: 16199547), and loss-of-function variants in CEP290 are known to be pathogenic (PMID: 16909394, 17345604, 20690115). This variant is not present in population databases (gnomAD no frequency). This variant has not been reported in the literature in individuals affected with CEP290-related conditions. ClinVar contains an entry for this variant (Variation ID: 402224). Algorithms developed to predict the effect of sequence changes on RNA splicing suggest that this variant may disrupt the consensus splice site. In summary, the currently available evidence indicates that the variant is pathogenic, but additional data are needed to prove that conclusively. Therefore, this variant has been classified as Likely Pathogenic.

Natera, Inc.
Classification: Likely pathogenic for Leber congenital amaurosis. Last evaluated: 2025-01-12. Review status: criteria provided, single submitter. Criteria: Natera Variant Classification Schema (03/2026). Collection method: clinical testing. Allele origin: germline.
Comment: The c.6818_6818+1dupGG variant in CEP290 is a canonical splice donor site variant predicted to affect pre-mRNA splicing, which may result in an abnormal transcript and altered protein product. This variant is expected to result in nonsense mediated decay, truncation, or a dysfunctional protein product. This variant is rare in the general population with a frequency below the threshold expected for the associated phenotype(s). Given the available evidence, this variant is classified as Likely Pathogenic.

Fulgent Genetics
Classification: Likely pathogenic for Joubert syndrome 5; Senior-Loken syndrome 6; Meckel syndrome, type 4; Leber congenital amaurosis 10; Bardet-Biedl syndrome 14. Last evaluated: 2024-06-20. Review status: criteria provided, single submitter. Criteria: ACMG Guidelines, 2015. Collection method: clinical testing. Allele origin: germline.

Baylor Genetics
Classification: Likely pathogenic for Bardet-Biedl syndrome 14. Last evaluated: 2023-03-05. Review status: criteria provided, single submitter. Criteria: ACMG Guidelines, 2015. Collection method: clinical testing. Allele origin: unknown.

Knight Diagnostic Laboratories, Oregon Health and Sciences University
Classification: Likely pathogenic for Joubert syndrome 5. Last evaluated: 2016-03-30. Review status: criteria provided, single submitter. Criteria: ACMG Guidelines, 2015. Collection method: clinical testing. Allele origin: germline. Affected: no. Study: CSER-NextGen.
Comment: The c.6818+1_6818+2insGG splice variant in the CEP290 gene has not been previously reported in published literature and is absent from the population databases (ESP; 1000 Genomes; ExAC). Splice-site, nonsense, and frameshift variants have been described in the CEP290 gene in several affected individuals (including nonsense and frameshift variants downstream of this splice variant) and thus, loss of function is a known mechanism of disease. In silico splicing algorithms predict this variant will cause altered splicing (Human Splice Finder = Broken WT Donor Site, New Donor Site). Therefore, this collective evidence supports the classification of the c.6818+1_6818+2insGG as a Likely Pathogenic variant for Joubert Syndrome and Related Disorders. Because this gene is expressed in blood cells, RNA-splicing studies can be performed to validate this classification (see recommendation).

Literature cited by the submitters: PubMed 16199547 (cited by Labcorp Genetics (formerly Invitae), Labcorp); PubMed 16909394 (cited by Labcorp Genetics (formerly Invitae), Labcorp); PubMed 17345604 (cited by Labcorp Genetics (formerly Invitae), Labcorp); PubMed 20690115 (cited by Labcorp Genetics (formerly Invitae), Labcorp).

NM_025114.4(CEP290):c.6818_6818+1dup

Gene: CEP290 (centrosomal protein 290; minus strand). Cytogenetic location: 12q21.32.
Variant type: Duplication.
Coding change: c.6818_6818+1dup on transcript NM_025114.4 (MANE Select); coding-DNA position 6818 through the canonical splice donor site of the intron after coding-DNA position 6818, 2 bases duplicated (GG; older notation c.6818_6818+1dupGG).
Molecular consequence: splice donor variant.
Genome position (GRCh38, 1-based): chr12:88,058,847-88,058,848, CC duplicated on the plus strand (GG on the coding strand, the reverse complement: CEP290 is on the minus strand). VCF-style (leftmost placement, unchanged base first): chr12-88058846-A-ACC. GRCh37 (hg19) VCF-style: chr12-88452623-A-ACC.
Other names: c.6818_6818+1dupGG (NM_025114.3).
Identifiers: ClinVar variation 402224 (VCV000402224.11), dbSNP rs1060499781, ClinGen allele CA16609555.